The following is an entry in ClinVar:

ClinVar aggregate classification (germline): Uncertain significance (1 of 4 stars; one submission).

gnomAD v4.1: 2 of 1,613,450 alleles (0.00012%); highest among the groups gnomAD compares: Non-Finnish European, 0.00017%; no homozygotes.

Submission:

GeneDx
Classification: Uncertain significance. Last evaluated: 2022-01-26. Review status: criteria provided, single submitter. Criteria: GeneDx Variant Classification Process June 2021. Collection method: clinical testing. Allele origin: germline. Affected: yes.
Comment: Identified in an individual with a neurodevelopmental disorder, but segregation and detailed clinical information was not provided (Wang et al., 2020); De novo variant with confirmed parentage; however, the reported clinical features are only partially consistent with the features typically observed in individuals with pathogenic variants in this gene; Not observed at significant frequency in large population cohorts (gnomAD); In silico analysis supports that this missense variant has a deleterious effect on protein structure/function; This variant is associated with the following publications: (PMID: 33004838)

NM_001348323.3(TRIP12):c.5062C>T (p.Arg1688Trp)

Gene: TRIP12 (thyroid hormone receptor interactor 12; minus strand). Cytogenetic location: 2q36.3.
Variant type: single nucleotide variant.
Coding change: c.5062C>T on transcript NM_001348323.3 (MANE Select); coding-DNA position 5062, C replaced by T.
Protein change: p.Arg1688Trp; replaces arginine 1688 with tryptophan.
Molecular consequence: missense variant.
Genome position (GRCh38, 1-based): chr2:229,785,789, G>A on the plus strand (C>T on the coding strand, the complement: TRIP12 is on the minus strand). VCF-style: chr2-229785789-G-A. GRCh37 (hg19) VCF-style: chr2-230650505-G-A.
Other names: c.4981C>T, p.Arg1661Trp (NM_001284214.2, NM_001348315.2); c.4936C>T, p.Arg1646Trp (NM_001284215.2, NM_001348316.2); c.4027C>T, p.Arg1343Trp (NM_001284216.2); c.4921C>T, p.Arg1641Trp (NM_001348317.1, NM_001348318.2); c.5047C>T, p.Arg1683Trp (NM_001348319.1, NM_001348320.2); c.5050C>T, p.Arg1684Trp (NM_001348321.1); c.5062C>T, p.Arg1688Trp (NM_001348322.1, NM_001348324.2, NM_001348325.2 and 2 more transcripts); c.5065C>T, p.Arg1689Trp (NM_001348328.1, NM_001348329.2, NM_001348330.2); and 4 more; short protein forms R1343W, R1613W, R1614W, R1641W, R1646W, R1654W, R1661W, R1662W.
Identifiers: ClinVar variation 1699662 (VCV001699662.2), dbSNP rs2154253509, ClinGen allele CA350890647.